The following is an entry in ClinVar:

NM_005732.4(RAD50):c.1579C>T (p.Gln527Ter)

Gene: RAD50 (RAD50 double strand break repair protein; plus strand). Cytogenetic location: 5q31.1.
Variant type: single nucleotide variant.
Coding change: c.1579C>T on transcript NM_005732.4 (MANE Select); coding-DNA position 1579, C replaced by T.
Protein change: p.Gln527Ter; replaces glutamine 527 with a stop codon.
Molecular consequence: nonsense.
Genome position (GRCh38, 1-based): chr5:132,591,350, C>T. VCF-style: chr5-132591350-C-T. GRCh37 (hg19) VCF-style: chr5-131927042-C-T.
Other names: short protein forms Q527*.
Identifiers: ClinVar variation 1068568 (VCV001068568.7), dbSNP rs2149842275, ClinGen allele CA360945992.

ClinVar aggregate classification (germline): Pathogenic (1 of 4 stars; one submission).

Conditions:
Hereditary cancer-predisposing syndrome. Also called: Hereditary neoplastic syndrome; Tumor predisposition; Hereditary Cancer Syndrome; Neoplastic Syndromes, Hereditary. Identifiers: Orphanet 140162, MedGen C0027672, MeSH D009386, MONDO:0015356.

Submission:

Labcorp Genetics (formerly Invitae), Labcorp
Classification: Pathogenic for Hereditary cancer-predisposing syndrome. Last evaluated: 2022-07-25. Review status: criteria provided, single submitter. Criteria: Invitae Variant Classification Sherloc (09022015). Collection method: clinical testing. Allele origin: germline.
Comment: For these reasons, this variant has been classified as Pathogenic. ClinVar contains an entry for this variant (Variation ID: 1068568). This variant has not been reported in the literature in individuals affected with RAD50-related conditions. This variant is not present in population databases (gnomAD no frequency). This sequence change creates a premature translational stop signal (p.Gln527*) in the RAD50 gene. It is expected to result in an absent or disrupted protein product. Loss-of-function variants in RAD50 are known to be pathogenic (PMID: 19409520).

Literature cited by the submitters: PubMed 19409520.